The following is an entry in ClinVar:

ClinVar aggregate classification (germline): Uncertain significance. Review status: criteria provided, multiple submitters, no conflicts (2 of 4 stars). 2 submissions from 2 submitters: Uncertain significance (2). Last evaluated 2025-09-15.

Conditions:
Hereditary cancer-predisposing syndrome. Also called: Tumor predisposition; Hereditary Cancer Syndrome; Hereditary neoplastic syndrome; Neoplastic Syndromes, Hereditary. Identifiers: Orphanet 140162, MedGen C0027672, MeSH D009386, MONDO:0015356.
Familial adenomatous polyposis 2. Also called: FAP type 2; MUTYH Polyposis; COLORECTAL ADENOMATOUS POLYPOSIS, AUTOSOMAL RECESSIVE; ADENOMAS, MULTIPLE COLORECTAL, AUTOSOMAL RECESSIVE; MUTYH-associated polyposis; MUTYH-related attenuated familial adenomatous polyposis. Identifiers: Orphanet 220460, Orphanet 247798, MedGen C3272841, MONDO:0012041, OMIM 608456.

Submissions (2):

Ambry Genetics
Classification: Uncertain significance for Hereditary cancer-predisposing syndrome. Last evaluated: 2025-09-15. Review status: criteria provided, single submitter. Criteria: Ambry Variant Classification Scheme 2023. Collection method: clinical testing. Allele origin: germline.
Comment: The c.1187-3C>T intronic variant results from a C to T substitution 3 nucleotides upstream from coding exon 13 in the MUTYH gene. This nucleotide position is well conserved in available vertebrate species. In silico splice site analysis predicts that this alteration will not have any significant effect on splicing. Based on the available evidence, the clinical significance of this variant remains unclear.

Labcorp Genetics (formerly Invitae), Labcorp
Classification: Uncertain significance for Familial adenomatous polyposis 2. Last evaluated: 2019-12-08. Review status: criteria provided, single submitter. Criteria: Invitae Variant Classification Sherloc (09022015). Collection method: clinical testing. Allele origin: germline.
Comment: In summary, the available evidence is currently insufficient to determine the role of this variant in disease. Therefore, it has been classified as a Variant of Uncertain Significance. Nucleotide substitutions within the consensus splice site are a relatively common cause of aberrant splicing (PMID: 17576681, 9536098). Algorithms developed to predict the effect of sequence changes on RNA splicing suggest that this variant is not likely to affect RNA splicing, but this prediction has not been confirmed by published transcriptional studies. This variant has not been reported in the literature in individuals with MUTYH-related conditions. This variant is not present in population databases (ExAC no frequency). This sequence change falls in intron 12 of the MUTYH gene. It does not directly change the encoded amino acid sequence of the MUTYH protein, but it affects a nucleotide within the consensus splice site of the intron.

Literature cited by the submitters: PubMed 17576681 (cited by Labcorp Genetics (formerly Invitae), Labcorp); PubMed 9536098 (cited by Labcorp Genetics (formerly Invitae), Labcorp).

NM_001048174.2(MUTYH):c.1103-3C>T

Gene: MUTYH (mutY DNA glycosylase; minus strand). Cytogenetic location: 1p34.1.
Variant type: single nucleotide variant.
Coding change: c.1103-3C>T on transcript NM_001048174.2 (MANE Select); 3 bases into the intron before coding-DNA position 1103, C replaced by T.
Molecular consequence: intron variant.
Genome position (GRCh38, 1-based): chr1:45,331,559, G>A on the plus strand (C>T on the coding strand, the complement: MUTYH is on the minus strand). VCF-style: chr1-45331559-G-A. GRCh37 (hg19) VCF-style: chr1-45797231-G-A.
Other names: c.758-3C>T (NM_001350651.2, NM_001350650.2); c.827-3C>T (NM_001293192.2, NM_001293196.2); c.1103-3C>T (NM_001048171.2, NM_001048173.2, NM_001293195.2); c.1148-3C>T (NM_001293190.2); c.1178-3C>T (NM_012222.3); c.1187-3C>T (NM_001128425.2); c.1106-3C>T (NM_001048172.2); c.1136-3C>T (NM_001293191.2).
Identifiers: ClinVar variation 848036 (VCV000848036.10), dbSNP rs1644865329, ClinGen allele CA916079914.